The following is an entry in ClinVar:

ClinVar aggregate classification (germline): Pathogenic/Likely pathogenic. Review status: criteria provided, multiple submitters, no conflicts (2 of 4 stars). 5 submissions from 5 submitters: Pathogenic (1); Likely pathogenic (4). Last evaluated 2026-06-24.

Conditions:
PPARG-related familial partial lipodystrophy. Also called: LIPODYSTROPHY, FAMILIAL PARTIAL, ASSOCIATED WITH PPARG MUTATIONS. Identifiers: Orphanet 79083, MedGen C1720861, MONDO:0011448, OMIM 604367.
CAROTID INTIMAL MEDIAL THICKNESS 1 (IMT1). Also called: INTIMAL MEDIAL THICKNESS OF INTERNAL CAROTID ARTERY. Identifiers: MedGen C1836302, OMIM 609338.

gnomAD v4.1: 1 of 1,613,962 alleles (0.000062%); highest among the groups gnomAD compares: Non-Finnish European, 0.000085%; no homozygotes.

Submissions (5):

GeneDx
Classification: Pathogenic. Last evaluated: 2026-06-24. Review status: criteria provided, single submitter. Criteria: GeneDx Variant Classification Process June 2021. Collection method: clinical testing. Allele origin: germline.
Comment: Published functional studies demonstrate a damaging effect in protein transactivation activity when tested with an endogenous promoter (PMID: 27749844); Not observed at significant frequency in large population cohorts (gnomAD); In silico analysis supports that this missense variant has a deleterious effect on protein structure/function; This variant is associated with the following publications: (PMID: 36325899, 30622652, 38933898, 41751985, 27749844)

3billion
Classification: Likely pathogenic for PPARG-related familial partial lipodystrophy. Last evaluated: 2025-12-23. Review status: criteria provided, single submitter. Criteria: ACMG Guidelines, 2015. Collection method: clinical testing. Allele origin: germline. Affected: yes.
Comment: The variant is observed at an extremely low frequency in the gnomAD v4.1.0 dataset (total allele frequency: <0.001%). Predicted Consequence/Location: Missense variant In silico tool predictions suggest damaging effect of the variant on gene or gene product [REVEL: 0.91 (>=0.6, sensitivity 0.68 and specificity 0.92); 3Cnet: 0.99 (> 0.75, sensitivity 0.96 and precision 0.92)]. The same nucleotide change resulting in the same amino acid change has been previously reported as pathogenic/likely pathogenic with strong evidence (ClinVar ID: VCV001341522). A different missense change at the same codon (p.Arg182Gln) has been reported to be associated with PPARG-related disorder (ClinVar ID: VCV000436398 /PMID: 36402763). Therefore, this variant is classified as Likely pathogenic according to the recommendation of ACMG/AMP guideline.

Genetic Services Laboratory, University of Chicago
Classification: Likely pathogenic. Last evaluated: 2024-10-22. Review status: criteria provided, single submitter. Criteria: ACMG Guidelines, 2015. Collection method: clinical testing. Allele origin: germline. Affected: yes.
Comment: DNA sequence analysis of the PPARG gene demonstrated a sequence change, c.634C>T, in exon 5 that results in an amino acid change, p.Arg212Trp. The p.Arg212Trp change affects a highly conserved amino acid residue located in a domain of the PPARG protein that is not known to be functional. The p.Arg212Trp substitution appears to be deleterious using several in-silico pathogenicity prediction tools (SIFT, PolyPhen2, REVEL). This sequence change has been described in the literature in individuals with partial lipodystrophy (PMID: 27749844, 30622652). Functional studies showed that this variant demonstrated reduced activity in a reporter assay with an endogenous promoter but showed normal activity in the traditional functional assay using a synthetic promoter(PMID: 27749844). This sequence change has been described in the gnomAD database with a frequency of 0.000062% (dbSNP rs1326880981). These collective evidences indicate that this sequence change is likely pathogenic.

Institute of Human Genetics, University of Leipzig Medical Center
Classification: Likely pathogenic for PPARG-related familial partial lipodystrophy. Last evaluated: 2023-04-03. Review status: criteria provided, single submitter. Criteria: ACMG Guidelines, 2015. Collection method: clinical testing. Allele origin: de novo. Inheritance: Autosomal dominant inheritance. Affected: yes.
Comment: Criteria applied: PS2_MOD, PS4_MOD, PS3_SUP, PM2_SUP, PM5_SUP, PP3

Dasa
Classification: Likely pathogenic for CAROTID INTIMAL MEDIAL THICKNESS 1. Last evaluated: 2022-02-14. Review status: criteria provided, single submitter. Criteria: ACMG Guidelines, 2015. Collection method: clinical testing. Allele origin: germline. Affected: yes. Observed: 1 variant allele.
Comment: Well-established in vitro or in vivo functional studies supportive of a damaging effect on the gene or gene product (PMID: 27749844) - PS3_supporting. The c.634C>T;p.(Arg212Trp) missense variant has been observed in affected individual(s) (PMID: 27749844) - PS4_supporting. This variant is not present in population databases (gnomAD; ABraOM no frequency) - PM2. Pathogenic missense variant in this residue have been reported (Clinvar ID: 436398 - c.635G>A; p.(Arg212Gln)) - PM5. Multiple lines of computational evidence support a deleterious effect on the gene or gene product - PP3. In summary, the currently available evidence indicates that the variant is likely pathogenic.

Literature cited by the submitters: PubMed 36402763 (cited by 3billion); PubMed 27749844 (cited by Dasa).

NM_138711.6(PPARG):c.544C>T (p.Arg182Trp)

Genes: PPARG (peroxisome proliferator activated receptor gamma; plus strand), LOC114803475 (PPARG eExon liver enhancer; plus strand). Cytogenetic location: 3p25.2.
Variant type: single nucleotide variant.
Coding change: c.544C>T on transcript NM_138711.6 (MANE Select); coding-DNA position 544, C replaced by T.
Protein change: p.Arg182Trp; replaces arginine 182 with tryptophan.
Molecular consequence: missense variant. On other transcripts: intron variant (1).
Genome position (GRCh38, 1-based): chr3:12,405,896, C>T. VCF-style: chr3-12405896-C-T. GRCh37 (hg19) VCF-style: chr3-12447395-C-T.
Other names: c.634C>T (NM_015869.4); c.544C>T, p.Arg182Trp (NM_001330615.4, NM_001354666.3, NM_001354667.3 and 6 more transcripts); c.634C>T, p.Arg212Trp (NM_001354668.2, NM_001374265.1, NM_015869.5); c.550C>T, p.Arg184Trp (NM_001354670.2, NM_001374266.1); c.103-10808C>T (NM_001354669.2); short protein forms R182W, R184W, R212W.
Identifiers: ClinVar variation 1341522 (VCV001341522.10), dbSNP rs1326880981, ClinGen allele CA351618607.